The following is an entry in ClinVar:

NM_015352.2(POFUT1):c.429+13G>A

Gene: POFUT1 (protein O-fucosyltransferase 1; plus strand). Cytogenetic location: 20q11.21.
Variant type: single nucleotide variant.
Coding change: c.429+13G>A on transcript NM_015352.2 (MANE Select); 13 bases into the intron after coding-DNA position 429, G replaced by A.
Molecular consequence: intron variant.
Genome position (GRCh38, 1-based): chr20:32,215,464, G>A. VCF-style: chr20-32215464-G-A. GRCh37 (hg19) VCF-style: chr20-30803267-G-A.
Other names: c.429+13G>A (NM_172236.2).
Identifiers: ClinVar variation 2971519 (VCV002971519.3), dbSNP rs761044051, ClinGen allele CA9807209.

ClinVar aggregate classification (germline): Uncertain significance (1 of 4 stars; one submission).

Conditions:
Dowling-Degos disease 2 (DDD2). Identifiers: Orphanet 79145, MedGen C3809147, MONDO:0014130, OMIM 615327.

Allele frequency attached by ClinVar (database versions not stated): ExAC 0.00001; gnomAD 0.00001; gnomAD exomes 0.00001.
gnomAD v4.1: 15 of 1,596,328 alleles (0.00094%); highest among the groups gnomAD compares: Non-Finnish European, 0.0013%; no homozygotes.

Submission:

Labcorp Genetics (formerly Invitae), Labcorp
Classification: Uncertain significance for Dowling-Degos disease 2. Last evaluated: 2023-05-21. Review status: criteria provided, single submitter. Criteria: Invitae Variant Classification Sherloc (09022015). Collection method: clinical testing. Allele origin: germline.
Comment: The frequency data for this variant in the population databases is considered unreliable, as metrics indicate poor data quality at this position in the gnomAD database. This sequence change falls in intron 3 of the POFUT1 gene. It does not directly change the encoded amino acid sequence of the POFUT1 protein. This variant has not been reported in the literature in individuals affected with POFUT1-related conditions. In summary, the available evidence is currently insufficient to determine the role of this variant in disease. Therefore, it has been classified as a Variant of Uncertain Significance. Algorithms developed to predict the effect of sequence changes on RNA splicing suggest that this variant may create or strengthen a splice site.